The following is an entry in ClinVar:

NM_015425.6(POLR1A):c.238C>A (p.His80Asn)

Gene: POLR1A (RNA polymerase I subunit A; minus strand). Cytogenetic location: 2p11.2.
Variant type: single nucleotide variant.
Coding change: c.238C>A on transcript NM_015425.6 (MANE Select); coding-DNA position 238, C replaced by A.
Protein change: p.His80Asn; replaces histidine 80 with asparagine.
Molecular consequence: missense variant.
Genome position (GRCh38, 1-based): chr2:86,100,012, G>T on the plus strand (C>A on the coding strand, the complement: POLR1A is on the minus strand). VCF-style: chr2-86100012-G-T. GRCh37 (hg19) VCF-style: chr2-86327135-G-T.
Other names: short protein forms H80N.
Identifiers: ClinVar variation 1349619 (VCV001349619.6), dbSNP rs2104437676, ClinGen allele CA347557898.
Genomic context (GRCh38, chr2:86,100,012, plus strand): 5'-CTAAGGCAGCACTTACATCGAAGAGGAGAGGGTTATACACTGTGAGTGGGAGCTCAATGT[G>T]GCCCAGGTGCCCAGAACAGTTGCTGAAGTCCTGCACGCAGGTGGAGCACACCTCTTTGGA-3'
Protein context (NP_056240.2, residues 70-90): DFSNCSGHLG[His80Asn]IELPLTVYNP

ClinVar aggregate classification (germline): Uncertain significance (1 of 4 stars; one submission).

Allele frequency attached by ClinVar (database versions not stated): gnomAD exomes below 0.00001.
gnomAD v4.1: 1 of 1,614,126 alleles (0.000062%); highest among the groups gnomAD compares: Non-Finnish European, 0.000085%; no homozygotes.

Submission:

Labcorp Genetics (formerly Invitae), Labcorp
Classification: Uncertain significance. Last evaluated: 2025-03-31. Review status: criteria provided, single submitter. Criteria: Invitae Variant Classification Sherloc (09022015). Collection method: clinical testing. Allele origin: germline.
Comment: This sequence change replaces histidine, which is basic and polar, with asparagine, which is neutral and polar, at codon 80 of the POLR1A protein (p.His80Asn). This variant is not present in population databases (gnomAD no frequency). This variant has not been reported in the literature in individuals affected with POLR1A-related conditions. ClinVar contains an entry for this variant (Variation ID: 1349619). Invitae Evidence Modeling of protein sequence and biophysical properties (such as structural, functional, and spatial information, amino acid conservation, physicochemical variation, residue mobility, and thermodynamic stability) indicates that this missense variant is expected to disrupt POLR1A protein function with a positive predictive value of 80%. In summary, the available evidence is currently insufficient to determine the role of this variant in disease. Therefore, it has been classified as a Variant of Uncertain Significance.